The following is an entry in ClinVar:

ClinVar aggregate classification (germline): Uncertain significance (1 of 4 stars; one submission).

Submission:

CeGaT Center for Human Genetics Tuebingen
Classification: Uncertain significance. Last evaluated: 2026-07-01. Review status: criteria provided, single submitter. Criteria: CeGaT Center For Human Genetics Tuebingen Variant Classification Criteria Version 2. Collection method: clinical testing. Allele origin: germline. Affected: yes. Observed: 1 variant allele.
Comment: UBAP1: PM2, BP4

NM_016525.5(UBAP1):c.-17C>G

Gene: UBAP1 (ubiquitin associated protein 1; plus strand). Cytogenetic location: 9p13.3.
Variant type: single nucleotide variant.
Coding change: c.-17C>G on transcript NM_016525.5 (MANE Select); 17 bases upstream of the start codon, C replaced by G.
Molecular consequence: 5 prime UTR variant. On other transcripts: missense variant (2), non-coding transcript variant (1).
Genome position (GRCh38, 1-based): chr9:34,179,231, C>G. VCF-style: chr9-34179231-C-G. GRCh37 (hg19) VCF-style: chr9-34179229-C-G.
Other names: c.217C>G, p.Arg73Gly (NM_001171201.1, NM_001171202.1); c.-172C>G (NM_001171203.3); c.-140C>G (NM_001171204.3); short protein forms R73G.
Identifiers: ClinVar variation 5038471 (VCV005038471.1).